The following is an entry in ClinVar:

NM_000051.4(ATM):c.5549T>A (p.Leu1850Ter)

Gene: ATM (ATM serine/threonine kinase; plus strand). Cytogenetic location: 11q22.3.
Variant type: single nucleotide variant.
Coding change: c.5549T>A on transcript NM_000051.4 (MANE Select); coding-DNA position 5549, T replaced by A.
Protein change: p.Leu1850Ter; replaces leucine 1850 with a stop codon.
Molecular consequence: nonsense.
Genome position (GRCh38, 1-based): chr11:108,304,727, T>A. VCF-style: chr11-108304727-T-A. GRCh37 (hg19) VCF-style: chr11-108175454-T-A.
Other names: c.5549T>A, p.Leu1850Ter (NM_001351834.2); short protein forms L1850*.
Identifiers: ClinVar variation 236741 (VCV000236741.6), dbSNP rs878853525, ClinGen allele CA10582832.

ClinVar aggregate classification (germline): Pathogenic (1 of 4 stars; one submission).

Conditions:
Ataxia-telangiectasia syndrome (AT). Also called: Ataxia telangiectasia (A-T); LOUIS-BAR SYNDROME; Cerebello-oculocutaneous telangiectasia; Immunodeficiency with ataxia telangiectasia; ATAXIA-TELANGIECTASIA, COMPLEMENTATION GROUP A; ATAXIA-TELANGIECTASIA, FRESNO VARIANT. Identifiers: Orphanet 100, MedGen C0004135, MONDO:0008840, OMIM 208900.

Submission:

Labcorp Genetics (formerly Invitae), Labcorp
Classification: Pathogenic for Ataxia-telangiectasia syndrome. Last evaluated: 2016-03-08. Review status: criteria provided, single submitter. Criteria: Invitae Variant Classification Sherloc (09022015). Collection method: clinical testing. Allele origin: germline.
Comment: This sequence change creates a premature translational stop signal at codon 1850 (p.Leu1850*) of the ATM gene. It is expected to result in an absent or disrupted protein product. While this particular variant has not been reported in the literature, truncating variants in ATM are known to be pathogenic (PMID: 10817650, 19781682). For these reasons, this variant has been classified as Pathogenic.

Literature cited by the submitters: PubMed 10817650; PubMed 19781682.